The following is an entry in ClinVar:

NM_004655.4(AXIN2):c.832G>C (p.Asp278His)

Gene: AXIN2 (axin 2; minus strand). Cytogenetic location: 17q24.1.
Variant type: single nucleotide variant.
Coding change: c.832G>C on transcript NM_004655.4 (MANE Select); coding-DNA position 832, G replaced by C.
Protein change: p.Asp278His; replaces aspartic acid 278 with histidine.
Molecular consequence: missense variant.
Genome position (GRCh38, 1-based): chr17:65,549,644, C>G on the plus strand (G>C on the coding strand, the complement: AXIN2 is on the minus strand). VCF-style: chr17-65549644-C-G. GRCh37 (hg19) VCF-style: chr17-63545762-C-G.
Other names: c.832G>C, p.Asp278His (NM_001363813.1); short protein forms D278H.
Identifiers: ClinVar variation 2095863 (VCV002095863.6), dbSNP rs878854737, ClinGen allele CA400679679.

ClinVar aggregate classification (germline): Uncertain significance. Review status: criteria provided, multiple submitters, no conflicts (2 of 4 stars). 3 submissions from 3 submitters: Uncertain significance (3). Last evaluated 2026-06-06.

Conditions:
Hereditary cancer-predisposing syndrome. Also called: Neoplastic Syndromes, Hereditary; Tumor predisposition; Hereditary Cancer Syndrome; Hereditary neoplastic syndrome. Identifiers: Orphanet 140162, MedGen C0027672, MeSH D009386, MONDO:0015356.
Oligodontia-cancer predisposition syndrome. Also called: TOOTH AGENESIS-COLORECTAL CANCER SYNDROME. Identifiers: Orphanet 300576, MedGen C1837750, MONDO:0012075, OMIM 608615. Disease mechanism: loss of function.

Submissions (3):

Ambry Genetics
Classification: Uncertain significance for Hereditary cancer-predisposing syndrome. Last evaluated: 2026-06-06. Review status: criteria provided, single submitter. Criteria: Ambry Variant Classification Scheme 2023. Collection method: clinical testing. Allele origin: germline.
Comment: The p.D278H variant (also known as c.832G>C), located in coding exon 2 of the AXIN2 gene, results from a G to C substitution at nucleotide position 832. The aspartic acid at codon 278 is replaced by histidine, an amino acid with similar properties. This amino acid position is conserved. In addition, the in silico prediction for this alteration is inconclusive. Based on the available evidence, the clinical significance of this variant remains unclear.

Quest Diagnostics Nichols Institute San Juan Capistrano
Classification: Uncertain significance. Last evaluated: 2023-03-16. Review status: criteria provided, single submitter. Criteria: Quest Diagnostics criteria. Collection method: clinical testing. Allele origin: unknown.
Comment: This variant has not been reported in the published literature. It also has not been reported in large, multi-ethnic general populations. Analysis of this variant using bioinformatics tools for the prediction of the effect of amino acid changes on protein structure and function yielded conflicting predictions that this variant is deleterious or benign. Based on the available information, we are unable to determine the clinical significance of this variant.

Labcorp Genetics (formerly Invitae), Labcorp
Classification: Uncertain significance for Oligodontia-cancer predisposition syndrome. Last evaluated: 2022-04-11. Review status: criteria provided, single submitter. Criteria: Invitae Variant Classification Sherloc (09022015). Collection method: clinical testing. Allele origin: germline.
Comment: This variant is not present in population databases (gnomAD no frequency). This sequence change replaces aspartic acid, which is acidic and polar, with histidine, which is basic and polar, at codon 278 of the AXIN2 protein (p.Asp278His). This variant has not been reported in the literature in individuals affected with AXIN2-related conditions. Algorithms developed to predict the effect of missense changes on protein structure and function are either unavailable or do not agree on the potential impact of this missense change (SIFT: "Deleterious"; PolyPhen-2: "Probably Damaging"; Align-GVGD: "Class C0"). In summary, the available evidence is currently insufficient to determine the role of this variant in disease. Therefore, it has been classified as a Variant of Uncertain Significance.